The following is an entry in ClinVar:

NM_001166114.2(PNPLA6):c.3952G>A (p.Ala1318Thr)

Gene: PNPLA6 (patatin like domain 6, lysophospholipase; plus strand). Cytogenetic location: 19p13.2.
Variant type: single nucleotide variant.
Coding change: c.3952G>A on transcript NM_001166114.2 (MANE Select); coding-DNA position 3952, G replaced by A.
Protein change: p.Ala1318Thr; replaces alanine 1318 with threonine.
Molecular consequence: missense variant.
Genome position (GRCh38, 1-based): chr19:7,561,246, G>A. VCF-style: chr19-7561246-G-A. GRCh37 (hg19) VCF-style: chr19-7626132-G-A.
Other names: c.3982G>A, p.Ala1328Thr (NM_001166111.2); c.3757G>A, p.Ala1253Thr (NM_001166112.2); c.3838G>A, p.Ala1280Thr (NM_001166113.1, NM_006702.5); short protein forms A1328T, A1253T, A1280T, A1318T.
Identifiers: ClinVar variation 2118777 (VCV002118777.1), dbSNP rs1418840264, ClinGen allele CA403139279.

ClinVar aggregate classification (germline): Uncertain significance (1 of 4 stars; one submission).

Conditions:
Hereditary spastic paraplegia 39 (SPG39). Also called: Spastic Paraplegia Type 39 (SPG39); SPASTIC PARAPLEGIA 39, AUTOSOMAL RECESSIVE. Identifiers: Orphanet 139480, MedGen C2677586, MONDO:0012787, OMIM 612020.

Allele frequency attached by ClinVar (database versions not stated): gnomAD exomes below 0.00001; gnomAD 0.00001; TOPMed 0.00001.
gnomAD v4.1: 3 of 1,610,560 alleles (0.00019%); highest among the groups gnomAD compares: East Asian, 0.0022%; no homozygotes.

Submission:

Labcorp Genetics (formerly Invitae), Labcorp
Classification: Uncertain significance for Hereditary spastic paraplegia 39. Last evaluated: 2022-03-28. Review status: criteria provided, single submitter. Criteria: Invitae Variant Classification Sherloc (09022015). Collection method: clinical testing. Allele origin: germline.
Comment: This sequence change replaces alanine, which is neutral and non-polar, with threonine, which is neutral and polar, at codon 1280 of the PNPLA6 protein (p.Ala1280Thr). The frequency data for this variant in the population databases is considered unreliable, as metrics indicate poor data quality at this position in the gnomAD database. This variant has not been reported in the literature in individuals affected with PNPLA6-related conditions. Algorithms developed to predict the effect of missense changes on protein structure and function (SIFT, PolyPhen-2, Align-GVGD) all suggest that this variant is likely to be tolerated. In summary, the available evidence is currently insufficient to determine the role of this variant in disease. Therefore, it has been classified as a Variant of Uncertain Significance.